The following is an entry in ClinVar:

NC_000011.9:g.(?_65429138)_(65430303_?)del

Gene: RELA (RELA proto-oncogene, NF-kB subunit; minus strand). Cytogenetic location: 11q13.1.
Variant type: Deletion.
Identifiers: ClinVar variation 2426698 (VCV002426698.5).

ClinVar aggregate classification (germline): Pathogenic (1 of 4 stars; one submission).

Submission:

Labcorp Genetics (formerly Invitae), Labcorp
Classification: Pathogenic. Last evaluated: 2022-08-10. Review status: criteria provided, single submitter. Criteria: Invitae Variant Classification Sherloc (09022015). Collection method: clinical testing. Allele origin: germline.
Comment: For these reasons, this variant has been classified as Pathogenic. This variant has not been reported in the literature in individuals affected with RELA-related conditions. This variant is a gross deletion of the genomic region encompassing exon(s) 1-4 of the RELA gene, which includes the initiator codon. This deletion extends beyond the assayed region for this gene and therefore may encompass additional genes. It is expected to result in an absent or disrupted protein product. Loss-of-function variants in RELA are known to be pathogenic (PMID: 28600438).

Literature cited by the submitters: PubMed 28600438.